The following is an entry in ClinVar:

NM_018406.7(MUC4):c.11104C>A (p.Pro3702Thr)

Gene: MUC4 (mucin 4, cell surface associated). Cytogenetic location: 3q29.
Variant type: single nucleotide variant.
Coding change: c.11104C>A on transcript NM_018406.7 (MANE Select); coding-DNA position 11104, C replaced by A.
Protein change: p.Pro3702Thr; replaces proline 3702 with threonine.
Molecular consequence: missense variant. On other transcripts: no sequence alteration (1), genic upstream transcript variant (2).
Genome position (GRCh38, 1-based): chr3:195,780,476, G>T on the plus strand (C>A on the coding strand, the complement: MUC4 is on the minus strand). VCF-style: chr3-195780476-G-T. GRCh37 (hg19) VCF-style: chr3-195507347-G-T.
Other names: c.15922=, p.Thr5308= (NM_001322468.1); c.83-6171C>A (NM_138297.5); c.83-2021C>A (NM_004532.6); short protein forms P3702T.
Identifiers: ClinVar variation 2654410 (VCV002654410.24), dbSNP rs143286669, ClinGen allele CA2769685.

ClinVar aggregate classification (germline): Likely benign (1 of 4 stars; one submission).

Allele frequency attached by ClinVar (database versions not stated): gnomAD 0.00024; ExAC 0.00048.

Submission:

CeGaT Center for Human Genetics Tuebingen
Classification: Likely benign. Last evaluated: 2023-04-01. Review status: criteria provided, single submitter. Criteria: CeGaT Center For Human Genetics Tuebingen Variant Classification Criteria Version 2. Collection method: clinical testing. Allele origin: germline. Affected: yes. Observed: 1 variant allele.
Comment: MUC4: BP4, BS2